The following is an entry in ClinVar:

ClinVar aggregate classification (germline): Uncertain significance (1 of 4 stars; one submission).

Conditions:
Hereditary sensory and autonomic neuropathy type 7. Also called: HSAN VII; Neuropathy, hereditary sensory and autonomic, type VII. Identifiers: Orphanet 391397, MedGen C3809882, MONDO:0014244, OMIM 615548.
Familial episodic pain syndrome with predominantly lower limb involvement. Also called: Episodic pain syndrome, familial, 3. Identifiers: Orphanet 391384, Orphanet 391392, MedGen C3809899, MONDO:0014247, OMIM 615552.

Allele frequency attached by ClinVar (database versions not stated): gnomAD exomes below 0.00001; ExAC 0.00001.

Submission:

Labcorp Genetics (formerly Invitae), Labcorp
Classification: Uncertain significance for Familial episodic pain syndrome with predominantly lower limb involvement; Hereditary sensory and autonomic neuropathy type 7. Last evaluated: 2021-10-23. Review status: criteria provided, single submitter. Criteria: Invitae Variant Classification Sherloc (09022015). Collection method: clinical testing. Allele origin: germline.
Comment: In summary, the available evidence is currently insufficient to determine the role of this variant in disease. Therefore, it has been classified as a Variant of Uncertain Significance. Algorithms developed to predict the effect of missense changes on protein structure and function output the following: SIFT: "Tolerated"; PolyPhen-2: "Benign"; Align-GVGD: "Class C0". The serine amino acid residue is found in multiple mammalian species, which suggests that this missense change does not adversely affect protein function. This variant has not been reported in the literature in individuals affected with SCN11A-related conditions. This variant is present in population databases (rs749395356, ExAC 0.001%). This sequence change replaces proline with serine at codon 864 of the SCN11A protein (p.Pro864Ser). The proline residue is moderately conserved and there is a moderate physicochemical difference between proline and serine.

NM_001349253.2(SCN11A):c.2590C>T (p.Pro864Ser)

Gene: SCN11A (sodium voltage-gated channel alpha subunit 11; minus strand). Cytogenetic location: 3p22.2.
Variant type: single nucleotide variant.
Coding change: c.2590C>T on transcript NM_001349253.2 (MANE Select); coding-DNA position 2590, C replaced by T.
Protein change: p.Pro864Ser; replaces proline 864 with serine.
Molecular consequence: missense variant.
Genome position (GRCh38, 1-based): chr3:38,894,778, G>A on the plus strand (C>T on the coding strand, the complement: SCN11A is on the minus strand). VCF-style: chr3-38894778-G-A. GRCh37 (hg19) VCF-style: chr3-38936269-G-A.
Other names: c.2590C>T, p.Pro864Ser (NM_014139.3); short protein forms P864S.
Identifiers: ClinVar variation 1484079 (VCV001484079.6), dbSNP rs749395356, ClinGen allele CA2322011.